The following is an entry in ClinVar:

ClinVar aggregate classification (germline): Uncertain significance (0 of 4 stars; one submission).

Conditions:
CYLD-related disorder. Also called: CYLD-related condition.

Submission:

PreventionGenetics, part of Exact Sciences
Classification: Uncertain significance for CYLD-related condition. Last evaluated: 2023-11-06. Review status: no assertion criteria provided. Collection method: clinical testing. Allele origin: germline.
Comment: The CYLD c.1985T>C variant is predicted to result in the amino acid substitution p.Leu662Pro. To our knowledge, this variant has not been reported in the literature or in a large population database, indicating this variant is rare. At this time, the clinical significance of this variant is uncertain due to the absence of conclusive functional and genetic evidence.

NM_001378743.1(CYLD):c.1985T>C (p.Leu662Pro)

Genes: CYLD (CYLD lysine 63 deubiquitinase; plus strand), CYLD-AS2 (CYLD antisense RNA 2; minus strand). Cytogenetic location: 16q12.1.
Variant type: single nucleotide variant.
Coding change: c.1985T>C on transcript NM_001378743.1 (MANE Select); coding-DNA position 1985, T replaced by C.
Protein change: p.Leu662Pro; replaces leucine 662 with proline.
Molecular consequence: missense variant. On other transcripts: non-coding transcript variant (1).
Genome position (GRCh38, 1-based): chr16:50,786,890, T>C. VCF-style: chr16-50786890-T-C. GRCh37 (hg19) VCF-style: chr16-50820801-T-C.
Other names: c.1976T>C, p.Leu659Pro (NM_001042355.2, NM_001042412.3, NM_001378744.1 and 6 more transcripts); c.1946T>C, p.Leu649Pro (NM_001378751.1, NM_001378752.1, NM_001378753.1); c.1310T>C, p.Leu437Pro (NM_001378754.1, NM_001378755.1); c.1985T>C, p.Leu662Pro (NM_015247.3); short protein forms L437P, L649P, L659P, L662P.
Identifiers: ClinVar variation 3032767 (VCV003032767.2), dbSNP rs2506715613, ClinGen allele CA395877253.
Genomic context (GRCh38, chr16:50,786,890, plus strand): 5'-AATTAATAGTTTTTTACTAACTTAGATATGGATATGTGTGTGCCACAAAAATTATGAAAC[T>C]GAGGAAAATACTTGAAAAGGTGGAGGCTGCATCAGGATTTACCTCTGAAGAAAAAGGTGA-3'
Protein context (NP_001365672.1, residues 652-672): GYVCATKIMK[Leu662Pro]RKILEKVEAA